The following is an entry in ClinVar:

NM_003590.5(CUL3):c.606AGA[1] (p.Glu203del)

Gene: CUL3 (cullin 3; minus strand). Cytogenetic location: 2q36.2.
Variant type: Microsatellite.
Coding change: c.606AGA[1] on transcript NM_003590.5 (MANE Select); one copy of the 3-base unit AGA starting at c.606; the reference has two copies in a row; one copy, 3 bases deleted; also written c.609_611del.
Protein change: p.Glu203del; deletes glutamic acid 203.
Molecular consequence: inframe deletion.
Genome position (GRCh38, 1-based): chr2:224,513,567-224,513,569, TCT deleted on the plus strand (AGA on the coding strand, the reverse complement: CUL3 is on the minus strand); deleting any 3 consecutive bases within chr2:224,513,567-224,513,574 gives the same sequence; the position shown is the placement nearest the transcript's 3' end. VCF-style (leftmost placement, unchanged base first): chr2-224513566-ATCT-A. GRCh37 (hg19) VCF-style: chr2-225378283-ATCT-A.
Other names: c.408AGA[1], p.Glu137del (NM_001257197.2); c.609_611del (NM_003590.4); c.624AGA[1], p.Glu209del (NM_001257198.2); short protein forms E203del, E137del, E209del.
Identifiers: ClinVar variation 2705061 (VCV002705061.4), dbSNP rs770645060, ClinGen allele CA2140160.
Genomic context (GRCh38, chr2:224,513,566, plus strand): 5'-TACATTTTCACGGATTACCTGAAAAAATTCTGCAGACATTTCCAAAAAAGGAGCCTCAAA[ATCT>A]TCTTCATAGACTGATCTTCCTTCGAGACCTAAAATCATTAACATCTGGCAAGCATTTCTT-3'

ClinVar aggregate classification (germline): Uncertain significance. Review status: criteria provided, multiple submitters, no conflicts (2 of 4 stars). 2 submissions from 2 submitters: Uncertain significance (2). Last evaluated 2025-01-23.

Submissions (2):

GeneDx
Classification: Uncertain significance. Last evaluated: 2025-01-23. Review status: criteria provided, single submitter. Criteria: GeneDx Variant Classification Process June 2021. Collection method: clinical testing. Allele origin: germline. Affected: yes.
Comment: Not observed at significant frequency in large population cohorts (gnomAD); In-frame deletion of one amino acid in a non-repeat region; In silico analysis supports a deleterious effect on protein structure/function; Has not been previously published as pathogenic or benign to our knowledge

Labcorp Genetics (formerly Invitae), Labcorp
Classification: Uncertain significance. Last evaluated: 2023-12-23. Review status: criteria provided, single submitter. Criteria: Invitae Variant Classification Sherloc (09022015). Collection method: clinical testing. Allele origin: germline.
Comment: This variant, c.609_611del, results in the deletion of 1 amino acid(s) of the CUL3 protein (p.Glu203del), but otherwise preserves the integrity of the reading frame. This variant is present in population databases (rs770645060, gnomAD 0.0009%). This variant has not been reported in the literature in individuals affected with CUL3-related conditions. In summary, the available evidence is currently insufficient to determine the role of this variant in disease. Therefore, it has been classified as a Variant of Uncertain Significance.